The following is an entry in ClinVar:

NM_000065.5(C6):c.2678A>T (p.Asn893Ile)

Gene: C6 (complement C6; minus strand). Cytogenetic location: 5p13.1.
Variant type: single nucleotide variant.
Coding change: c.2678A>T on transcript NM_000065.5 (MANE Select); coding-DNA position 2678, A replaced by T.
Protein change: p.Asn893Ile; replaces asparagine 893 with isoleucine.
Molecular consequence: missense variant.
Genome position (GRCh38, 1-based): chr5:41,142,952, T>A on the plus strand (A>T on the coding strand, the complement: C6 is on the minus strand). VCF-style: chr5-41142952-T-A. GRCh37 (hg19) VCF-style: chr5-41143054-T-A.
Other names: c.2678A>T, p.Asn893Ile (NM_001115131.4); short protein forms N893I.
Identifiers: ClinVar variation 1362258 (VCV001362258.8), dbSNP rs1745483655, ClinGen allele CA359592090.

ClinVar aggregate classification (germline): Uncertain significance (1 of 4 stars; one submission).

gnomAD v4.1: 1 of 1,613,678 alleles (0.000062%); no homozygotes.

Submission:

Labcorp Genetics (formerly Invitae), Labcorp
Classification: Uncertain significance. Last evaluated: 2023-10-17. Review status: criteria provided, single submitter. Criteria: Invitae Variant Classification Sherloc (09022015). Collection method: clinical testing. Allele origin: germline.
Comment: This sequence change replaces asparagine, which is neutral and polar, with isoleucine, which is neutral and non-polar, at codon 893 of the C6 protein (p.Asn893Ile). This variant is not present in population databases (gnomAD no frequency). This variant has not been reported in the literature in individuals affected with C6-related conditions. ClinVar contains an entry for this variant (Variation ID: 1362258). An algorithm developed to predict the effect of missense changes on protein structure and function (PolyPhen-2) suggests that this variant is likely to be tolerated. In summary, the available evidence is currently insufficient to determine the role of this variant in disease. Therefore, it has been classified as a Variant of Uncertain Significance.